The following is an entry in ClinVar:

ClinVar aggregate classification (germline): Uncertain significance. Review status: criteria provided, multiple submitters, no conflicts (2 of 4 stars). 4 submissions from 4 submitters: Uncertain significance (4). Last evaluated 2024-08-31.

Allele frequency attached by ClinVar (database versions not stated): TOPMed 0.00003; gnomAD 0.00005; ESP Exome Variant Server 0.00008.
gnomAD v4.1: 92 of 1,613,394 alleles (0.0057%); highest among the groups gnomAD compares: Non-Finnish European, 0.0074%; no homozygotes.

Submissions (4):

Labcorp Genetics (formerly Invitae), Labcorp
Classification: Uncertain significance. Last evaluated: 2024-08-31. Review status: criteria provided, single submitter. Criteria: Invitae Variant Classification Sherloc (09022015). Collection method: clinical testing. Allele origin: germline.
Comment: This sequence change replaces isoleucine, which is neutral and non-polar, with valine, which is neutral and non-polar, at codon 123 of the TMEM126A protein (p.Ile123Val). This variant is present in population databases (rs370841561, gnomAD 0.01%). This variant has not been reported in the literature in individuals affected with TMEM126A-related conditions. ClinVar contains an entry for this variant (Variation ID: 498587). An algorithm developed to predict the effect of missense changes on protein structure and function (PolyPhen-2) suggests that this variant¬†is likely to be tolerated. In summary, the available evidence is currently insufficient to determine the role of this variant in disease. Therefore, it has been classified as a Variant of Uncertain Significance.

Ambry Genetics
Classification: Uncertain significance. Last evaluated: 2022-10-03. Review status: criteria provided, single submitter. Criteria: Ambry Variant Classification Scheme 2023. Collection method: clinical testing. Allele origin: germline.

CeGaT Center for Human Genetics Tuebingen
Classification: Uncertain significance. Last evaluated: 2018-08-01. Review status: criteria provided, single submitter. Criteria: CeGaT Center For Human Genetics Tuebingen Variant Classification Criteria Version 2. Collection method: clinical testing. Allele origin: germline. Affected: yes. Observed: 1 variant allele.

Eurofins Ntd Llc (ga)
Classification: Uncertain significance. Last evaluated: 2016-12-06. Review status: criteria provided, single submitter. Criteria: EGL Classification Definitions 2015. Collection method: clinical testing. Allele origin: germline. Observed: 1 variant allele, 1 heterozygote.

NM_032273.4(TMEM126A):c.367A>G (p.Ile123Val)

Gene: TMEM126A (transmembrane protein 126A; plus strand). Cytogenetic location: 11q14.1.
Variant type: single nucleotide variant.
Coding change: c.367A>G on transcript NM_032273.4 (MANE Select); coding-DNA position 367, A replaced by G.
Protein change: p.Ile123Val; replaces isoleucine 123 with valine.
Molecular consequence: missense variant.
Genome position (GRCh38, 1-based): chr11:85,655,680, A>G. VCF-style: chr11-85655680-A-G. GRCh37 (hg19) VCF-style: chr11-85366724-A-G.
Other names: c.157A>G, p.Ile53Val (NM_001244735.2); short protein forms I123V, I53V.
Identifiers: ClinVar variation 498587 (VCV000498587.53), dbSNP rs370841561, ClinGen allele CA6212770.